The following is an entry in ClinVar:

NM_020461.4(TUBGCP6):c.1546G>A (p.Glu516Lys)

Gene: TUBGCP6 (tubulin gamma complex component 6; minus strand). Cytogenetic location: 22q13.33.
Variant type: single nucleotide variant.
Coding change: c.1546G>A on transcript NM_020461.4 (MANE Select); coding-DNA position 1546, G replaced by A.
Protein change: p.Glu516Lys; replaces glutamic acid 516 with lysine.
Molecular consequence: missense variant.
Genome position (GRCh38, 1-based): chr22:50,226,788, C>T on the plus strand (G>A on the coding strand, the complement: TUBGCP6 is on the minus strand). VCF-style: chr22-50226788-C-T. GRCh37 (hg19) VCF-style: chr22-50665217-C-T.
Other names: short protein forms E516K.
Identifiers: ClinVar variation 2064154 (VCV002064154.2), dbSNP rs139226764, ClinGen allele CA10308623.

ClinVar aggregate classification (germline): Uncertain significance (1 of 4 stars; one submission).

Allele frequency attached by ClinVar (database versions not stated): gnomAD exomes 0.00002; gnomAD 0.00003; ExAC 0.00013; ESP Exome Variant Server 0.00023.
gnomAD v4.1: 40 of 1,592,990 alleles (0.0025%); highest among the groups gnomAD compares: South Asian, 0.014%; no homozygotes.

Submission:

Labcorp Genetics (formerly Invitae), Labcorp
Classification: Uncertain significance. Last evaluated: 2023-05-15. Review status: criteria provided, single submitter. Criteria: Invitae Variant Classification Sherloc (09022015). Collection method: clinical testing. Allele origin: germline.
Comment: In summary, the available evidence is currently insufficient to determine the role of this variant in disease. Therefore, it has been classified as a Variant of Uncertain Significance. An algorithm developed to predict the effect of missense changes on protein structure and function (PolyPhen-2) suggests that this variant is likely to be disruptive. ClinVar contains an entry for this variant (Variation ID: 2064154). This variant has not been reported in the literature in individuals affected with TUBGCP6-related conditions. This variant is present in population databases (rs139226764, gnomAD 0.02%). This sequence change replaces glutamic acid, which is acidic and polar, with lysine, which is basic and polar, at codon 516 of the TUBGCP6 protein (p.Glu516Lys).